The following is an entry in ClinVar:

NM_000135.4(FANCA):c.2699C>T (p.Ser900Phe)

Gene: FANCA (FA complementation group A; minus strand). Cytogenetic location: 16q24.3.
Variant type: single nucleotide variant.
Coding change: c.2699C>T on transcript NM_000135.4 (MANE Select); coding-DNA position 2699, C replaced by T.
Protein change: p.Ser900Phe; replaces serine 900 with phenylalanine.
Molecular consequence: missense variant.
Genome position (GRCh38, 1-based): chr16:89,764,969, G>A on the plus strand (C>T on the coding strand, the complement: FANCA is on the minus strand). VCF-style: chr16-89764969-G-A. GRCh37 (hg19) VCF-style: chr16-89831377-G-A.
Other names: c.2699C>T, p.Ser900Phe (NM_001286167.3); short protein forms S900F.
Identifiers: ClinVar variation 4619213 (VCV004619213.1).
Genomic context (GRCh38, chr16:89,764,969, plus strand): 5'-AACACCTCTCGGAAGGTTCTGTGTGTCCAGAGAGAGAGGGCAGCTCTCTGCCAGTCTGCA[G>A]AAGGAAGGTGCAAGGGTCTCCAGGAAAGGCTGGCTACGTCCTCCTCAGAAAGAGGCTGTC-3'
Protein context (NP_000126.2, residues 890-910): SLSWRPLHLP[Ser900Phe]ADWQRAALSL

ClinVar aggregate classification (germline): Uncertain significance (1 of 4 stars; one submission).

Conditions:
Inborn genetic diseases. Identifiers: MedGen C0950123, MeSH D030342.

Submission:

Ambry Genetics
Classification: Uncertain significance for Inborn genetic diseases. Last evaluated: 2025-10-21. Review status: criteria provided, single submitter. Criteria: Ambry Variant Classification Scheme 2023. Collection method: clinical testing. Allele origin: germline.
Comment: The p.S900F variant (also known as c.2699C>T), located in coding exon 28 of the FANCA gene, results from a C to T substitution at nucleotide position 2699. The serine at codon 900 is replaced by phenylalanine, an amino acid with highly dissimilar properties. This amino acid position is conserved. In addition, the in silico prediction for this alteration is inconclusive. Based on the available evidence, the clinical significance of this variant remains unclear.